The following is an entry in ClinVar:

ClinVar aggregate classification (germline): Uncertain significance. Review status: criteria provided, multiple submitters, no conflicts (2 of 4 stars). 2 submissions from 2 submitters: Uncertain significance (2). Last evaluated 2025-12-19.

Allele frequency attached by ClinVar (database versions not stated): ExAC 0.00003; gnomAD exomes 0.00003; TOPMed 0.00003; gnomAD 0.00004; ESP Exome Variant Server 0.00015.
gnomAD v4.1: 47 of 1,613,790 alleles (0.0029%); highest among the groups gnomAD compares: African/African-American, 0.0094%; no homozygotes.

Submissions (2):

Ambry Genetics
Classification: Uncertain significance. Last evaluated: 2025-12-19. Review status: criteria provided, single submitter. Criteria: Ambry Variant Classification Scheme 2023. Collection method: clinical testing. Allele origin: germline.

Labcorp Genetics (formerly Invitae), Labcorp
Classification: Uncertain significance. Last evaluated: 2022-09-26. Review status: criteria provided, single submitter. Criteria: Invitae Variant Classification Sherloc (09022015). Collection method: clinical testing. Allele origin: germline.
Comment: This sequence change replaces valine, which is neutral and non-polar, with methionine, which is neutral and non-polar, at codon 461 of the TNS2 protein (p.Val461Met). This variant is present in population databases (rs372106986, gnomAD 0.02%). This variant has not been reported in the literature in individuals affected with TNS2-related conditions. Algorithms developed to predict the effect of missense changes on protein structure and function are either unavailable or do not agree on the potential impact of this missense change (SIFT: "Deleterious"; PolyPhen-2: "Probably Damaging"; Align-GVGD: "Class C0"). In summary, the available evidence is currently insufficient to determine the role of this variant in disease. Therefore, it has been classified as a Variant of Uncertain Significance.

NM_170754.4(TNS2):c.1351G>A (p.Val451Met)

Gene: TNS2 (tensin 2; plus strand). Cytogenetic location: 12q13.13.
Variant type: single nucleotide variant.
Coding change: c.1351G>A on transcript NM_170754.4 (MANE Select); coding-DNA position 1351, G replaced by A.
Protein change: p.Val451Met; replaces valine 451 with methionine.
Molecular consequence: missense variant.
Genome position (GRCh38, 1-based): chr12:53,058,773, G>A. VCF-style: chr12-53058773-G-A. GRCh37 (hg19) VCF-style: chr12-53452557-G-A.
Other names: c.1351G>A, p.Val451Met (NM_001416202.1, NM_001416204.1); c.1282G>A, p.Val428Met (NM_001416203.1, NM_015319.3); c.979G>A, p.Val327Met (NM_198316.2); short protein forms V327M, V461M, V451M, V428M.
Identifiers: ClinVar variation 2146074 (VCV002146074.5), dbSNP rs372106986, ClinGen allele CA6592299.